The following is an entry in ClinVar:

NM_001377.3(DYNC2H1):c.11468A>T (p.Gln3823Leu)

Gene: DYNC2H1 (dynein cytoplasmic 2 heavy chain 1; plus strand). Cytogenetic location: 11q22.3.
Variant type: single nucleotide variant.
Coding change: c.11468A>T on transcript NM_001377.3 (MANE Select); coding-DNA position 11468, A replaced by T.
Protein change: p.Gln3823Leu; replaces glutamine 3823 with leucine.
Molecular consequence: missense variant.
Genome position (GRCh38, 1-based): chr11:103,307,806, A>T. VCF-style: chr11-103307806-A-T. GRCh37 (hg19) VCF-style: chr11-103178535-A-T.
Other names: c.11489A>T, p.Gln3830Leu (NM_001080463.2); short protein forms Q3823L, Q3830L.
Identifiers: ClinVar variation 5018986 (VCV005018986.3).
Genomic context (GRCh38, chr11:103,307,806, plus strand): 5'-ATACCTTTCGTCTTTGGCTCACTGCAGAAGTTCATCCCAACTTTACTCCTATTTTACTAC[A>T]GTCAAGTCTGAAGATAACATATGAGGTAAGAAGATTTAAAACTTGGATCACCAGTTGTAT-3'
Protein context (NP_001368.2, residues 3813-3833): VHPNFTPILL[Gln3823Leu]SSLKITYESP

ClinVar aggregate classification (germline): Uncertain significance (1 of 4 stars; one submission).

Conditions:
Asphyxiating thoracic dystrophy 3. Also called: Short rib polydactyly syndrome 2B; Saldino-Noonan Syndrome; POLYDACTYLY WITH NEONATAL CHONDRODYSTROPHY, TYPE I; SHORT-RIB THORACIC DYSPLASIA 3/6 WITH POLYDACTYLY, DIGENIC; SHORT-RIB THORACIC DYSPLASIA 3 WITH OR WITHOUT POLYDACTYLY. Identifiers: Orphanet 474, Orphanet 93269, Orphanet 93270, Orphanet 93271, MedGen C0036069, MONDO:0013127, OMIM 613091.

Submission:

Juno Genomics, Hangzhou Juno Genomics, Inc
Classification: Uncertain significance for Asphyxiating thoracic dystrophy 3. Review status: criteria provided, single submitter. Criteria: ACMG Guidelines, 2015. Collection method: clinical testing. Allele origin: germline.
Comment: Absent from controls (or at extremely low frequency if recessive) in Genome Aggregation Database.